The following is an entry in ClinVar:

NM_000352.6(ABCC8):c.297C>A (p.Thr99=)

Gene: ABCC8 (ATP binding cassette subfamily C member 8; minus strand). Cytogenetic location: 11p15.1.
Variant type: single nucleotide variant.
Coding change: c.297C>A on transcript NM_000352.6 (MANE Select); coding-DNA position 297, C replaced by A.
Protein change: p.Thr99=; no amino-acid change (threonine 99 retained).
Molecular consequence: synonymous variant. On other transcripts: non-coding transcript variant (1).
Genome position (GRCh38, 1-based): chr11:17,470,216, G>T on the plus strand (C>A on the coding strand, the complement: ABCC8 is on the minus strand). VCF-style: chr11-17470216-G-T. GRCh37 (hg19) VCF-style: chr11-17491763-G-T.
Other names: c.297C>A, p.Thr99= (NM_001287174.3, NM_001351295.2, NM_001351296.2 and 1 more transcripts).
Identifiers: ClinVar variation 1691264 (VCV001691264.5), dbSNP rs906180828, ClinGen allele CA218455919.

ClinVar aggregate classification (germline): Conflicting classifications of pathogenicity. Review status: criteria provided, conflicting classifications (1 of 4 stars). 3 submissions from 2 submitters: Uncertain significance (2); Likely benign (1). Last evaluated 2023-05-30.

Conditions:
Transitory neonatal diabetes mellitus. Also called: Transient neonatal diabetes mellitus. Identifiers: MedGen C0342273, MONDO:0020525, HP:0008255.
Maturity-onset diabetes of the young (MODY). Also called: Maturity onset diabetes mellitus in young. Identifiers: Orphanet 552, MedGen C0342276, MONDO:0018911, HP:0004904.

Allele frequency attached by ClinVar (database versions not stated): gnomAD exomes below 0.00001.
gnomAD v4.1: 3 of 1,613,974 alleles (0.00019%); highest among the groups gnomAD compares: Non-Finnish European, 0.00025%; no homozygotes.

Submissions (3):

Labcorp Genetics (formerly Invitae), Labcorp
Classification: Likely benign. Last evaluated: 2023-05-30. Review status: criteria provided, single submitter. Criteria: Invitae Variant Classification Sherloc (09022015). Collection method: clinical testing. Allele origin: germline.

Clinical Genomics, Uppaluri K&H Personalized Medicine Clinic
Classification: Uncertain significance for Maturity-onset diabetes of the young. Review status: criteria provided, single submitter. Criteria: K & H Uppaluri Personalized Medicine Clinic Variant Classification & Assertion Criteria_Updated V.1. Collection method: research. Allele origin: unknown. Inheritance: Somatic mutation.
Comment: Mutations in ABCC8 gene are associated with both neonatal diabetes mellitus as well as MODY. Patients with this mutation may have a better response to sulfonylureas. However, no sufficient evidence is found to ascertain the role of this particular variant ( rs906180828) in MODY yet.

Clinical Genomics, Uppaluri K&H Personalized Medicine Clinic
Classification: Uncertain significance for Transitory neonatal diabetes mellitus. Review status: criteria provided, single submitter. Criteria: K & H Uppaluri Personalized Medicine Clinic Variant Classification & Assertion Criteria_Updated V.1. Collection method: research. Allele origin: unknown. Inheritance: Somatic mutation.
Comment: Mutations in ABCC8 gene are associated with both neonatal diabetes mellitus as well as MODY. Patients with this mutation may have a better response to sulfonylureas. However, no sufficient evidence is found to ascertain the role of this particular variant ( rs906180828) in neonatal diabetes yet.

Literature cited by the submitters: PubMed 16885549 (cited by Clinical Genomics, Uppaluri K&H Personalized Medicine Clinic); PubMed 21989597 (cited by Clinical Genomics, Uppaluri K&H Personalized Medicine Clinic); PubMed 27538677 (cited by Clinical Genomics, Uppaluri K&H Personalized Medicine Clinic); PubMed 18981553 (cited by Clinical Genomics, Uppaluri K&H Personalized Medicine Clinic); PubMed 32027066 (cited by Clinical Genomics, Uppaluri K&H Personalized Medicine Clinic); PubMed 16613899 (cited by Clinical Genomics, Uppaluri K&H Personalized Medicine Clinic); PubMed 18025408 (cited by Clinical Genomics, Uppaluri K&H Personalized Medicine Clinic); PubMed 32792356 (cited by Clinical Genomics, Uppaluri K&H Personalized Medicine Clinic).